The following is an entry in ClinVar:

NM_025103.4(IFT74):c.1688T>C (p.Ile563Thr)

Gene: IFT74 (intraflagellar transport 74; plus strand). Cytogenetic location: 9p21.2.
Variant type: single nucleotide variant.
Coding change: c.1688T>C on transcript NM_025103.4 (MANE Select); coding-DNA position 1688, T replaced by C.
Protein change: p.Ile563Thr; replaces isoleucine 563 with threonine.
Molecular consequence: missense variant. On other transcripts: 3 prime UTR variant (1).
Genome position (GRCh38, 1-based): chr9:27,062,621, T>C. VCF-style: chr9-27062621-T-C. GRCh37 (hg19) VCF-style: chr9-27062619-T-C.
Other names: c.1688T>C, p.Ile563Thr (NM_001099222.3, NM_001099223.3); c.*624T>C (NM_001349928.2); short protein forms I563T.
Identifiers: ClinVar variation 2057092 (VCV002057092.4), dbSNP rs1157412473, ClinGen allele CA373109897.
Genomic context (GRCh38, chr9:27,062,621, plus strand): 5'-CTCAGGCACAATTAGATTTTTATTGACATTGTTTTCCCCCTTAACTCATGTAATTAGTCA[T>C]AGCAACCAAGAGTCAAGAGAGTGATTACCAGCCAATTAAGAAAAATGTGACCAAGCAGAT-3'
Protein context (NP_079379.2, residues 553-573): EQNNFAMKEF[Ile563Thr]ATKSQESDYQ

ClinVar aggregate classification (germline): Uncertain significance (1 of 4 stars; one submission).

Submission:

Labcorp Genetics (formerly Invitae), Labcorp
Classification: Uncertain significance. Last evaluated: 2022-07-05. Review status: criteria provided, single submitter. Criteria: Invitae Variant Classification Sherloc (09022015). Collection method: clinical testing. Allele origin: germline.
Comment: This sequence change replaces isoleucine, which is neutral and non-polar, with threonine, which is neutral and polar, at codon 563 of the IFT74 protein (p.Ile563Thr). This variant is not present in population databases (gnomAD no frequency). This variant has not been reported in the literature in individuals affected with IFT74-related conditions. Algorithms developed to predict the effect of missense changes on protein structure and function (SIFT, PolyPhen-2, Align-GVGD) all suggest that this variant is likely to be disruptive. Algorithms developed to predict the effect of sequence changes on RNA splicing suggest that this variant may create or strengthen a splice site. In summary, the available evidence is currently insufficient to determine the role of this variant in disease. Therefore, it has been classified as a Variant of Uncertain Significance.